The following is an entry in ClinVar:

NM_015466.4(PTPN23):c.3313G>C (p.Glu1105Gln)

Gene: PTPN23 (protein tyrosine phosphatase non-receptor type 23; plus strand). Cytogenetic location: 3p21.31.
Variant type: single nucleotide variant.
Coding change: c.3313G>C on transcript NM_015466.4 (MANE Select); coding-DNA position 3313, G replaced by C.
Protein change: p.Glu1105Gln; replaces glutamic acid 1105 with glutamine.
Molecular consequence: missense variant.
Genome position (GRCh38, 1-based): chr3:47,411,111, G>C. VCF-style: chr3-47411111-G-C. GRCh37 (hg19) VCF-style: chr3-47452601-G-C.
Other names: c.2935G>C, p.Glu979Gln (NM_001304482.2); short protein forms E979Q, E1105Q.
Identifiers: ClinVar variation 2120720 (VCV002120720.1), dbSNP rs1273978804, ClinGen allele CA352561627.

ClinVar aggregate classification (germline): Uncertain significance (1 of 4 stars; one submission).

Allele frequency attached by ClinVar (database versions not stated): gnomAD exomes 0.00002.
gnomAD v4.1: 11 of 1,604,736 alleles (0.00069%); highest among the groups gnomAD compares: Admixed American, 0.019%; 1 homozygote.

Submission:

Labcorp Genetics (formerly Invitae), Labcorp
Classification: Uncertain significance. Last evaluated: 2022-09-07. Review status: criteria provided, single submitter. Criteria: Invitae Variant Classification Sherloc (09022015). Collection method: clinical testing. Allele origin: germline.
Comment: This sequence change replaces glutamic acid, which is acidic and polar, with glutamine, which is neutral and polar, at codon 1105 of the PTPN23 protein (p.Glu1105Gln). This variant is present in population databases (no rsID available, gnomAD 0.03%), including at least one homozygous and/or hemizygous individual. This variant has not been reported in the literature in individuals affected with PTPN23-related conditions. Algorithms developed to predict the effect of missense changes on protein structure and function are either unavailable or do not agree on the potential impact of this missense change (SIFT: "Tolerated"; PolyPhen-2: "Possibly Damaging"; Align-GVGD: "Class C0"). In summary, the available evidence is currently insufficient to determine the role of this variant in disease. Therefore, it has been classified as a Variant of Uncertain Significance.